The following is an entry in ClinVar:

NM_001069.3(TUBB2A):c.394G>A (p.Gly132Ser)

Gene: TUBB2A (tubulin beta 2A class IIa; minus strand). Cytogenetic location: 6p25.2.
Variant type: single nucleotide variant.
Coding change: c.394G>A on transcript NM_001069.3 (MANE Select); coding-DNA position 394, G replaced by A.
Protein change: p.Gly132Ser; replaces glycine 132 with serine.
Molecular consequence: missense variant.
Genome position (GRCh38, 1-based): chr6:3,154,807, C>T on the plus strand (G>A on the coding strand, the complement: TUBB2A is on the minus strand). VCF-style: chr6-3154807-C-T. GRCh37 (hg19) VCF-style: chr6-3155041-C-T.
Other names: c.139G>A, p.Gly47Ser (NM_001310315.2); short protein forms G132S, G47S.
Identifiers: ClinVar variation 421613 (VCV000421613.7), dbSNP rs1064795249, ClinGen allele CA16618276.

ClinVar aggregate classification (germline): Pathogenic/Likely pathogenic. Review status: criteria provided, multiple submitters, no conflicts (2 of 4 stars). 2 submissions from 2 submitters: Pathogenic (1); Likely pathogenic (1). Last evaluated 2022-04-08.

Conditions:
Complex cortical dysplasia with other brain malformations 5. Identifiers: MedGen C3810407, MONDO:0014337, OMIM 615763.

Submissions (2):

GeneDx
Classification: Pathogenic. Last evaluated: 2022-04-08. Review status: criteria provided, single submitter. Criteria: GeneDx Variant Classification Process June 2021. Collection method: clinical testing. Allele origin: germline. Affected: yes.
Comment: Not observed at significant frequency in large population cohorts (gnomAD); In silico analysis supports that this missense variant has a deleterious effect on protein structure/function; Has not been previously published as pathogenic or benign to our knowledge

Undiagnosed Diseases Network, NIH
Classification: Likely pathogenic for Complex cortical dysplasia with other brain malformations 5. Last evaluated: 2020-10-19. Review status: criteria provided, single submitter. Criteria: ACMG Guidelines, 2015. Collection method: clinical testing. Allele origin: de novo. Inheritance: Autosomal dominant inheritance. Affected: yes. Observed: 1 variant allele, 1 heterozygote. Study: Undiagnosed Diseases Network (NIH), UDN.